The following is an entry in ClinVar:

NM_001127222.2(CACNA1A):c.849T>C (p.Asn283=)

Gene: CACNA1A (calcium voltage-gated channel subunit alpha1 A; minus strand). Cytogenetic location: 19p13.13.
Variant type: single nucleotide variant.
Coding change: c.849T>C on transcript NM_001127222.2 (MANE Select); coding-DNA position 849, T replaced by C.
Protein change: p.Asn283=; no amino-acid change (asparagine 283 retained).
Molecular consequence: synonymous variant.
Genome position (GRCh38, 1-based): chr19:13,359,735, A>G on the plus strand (T>C on the coding strand, the complement: CACNA1A is on the minus strand). VCF-style: chr19-13359735-A-G. GRCh37 (hg19) VCF-style: chr19-13470549-A-G.
Other names: c.849T>C, p.Asn283= (NM_000068.4, NM_001127221.2, NM_001174080.2 and 1 more transcripts).
Identifiers: ClinVar variation 2649394 (VCV002649394.24), dbSNP rs2513152241, ClinGen allele CA505660972.

ClinVar aggregate classification (germline): Likely benign (1 of 4 stars; one submission).

Allele frequency attached by ClinVar (database versions not stated): gnomAD exomes below 0.00001.

Submission:

CeGaT Center for Human Genetics Tuebingen
Classification: Likely benign. Last evaluated: 2023-09-01. Review status: criteria provided, single submitter. Criteria: CeGaT Center For Human Genetics Tuebingen Variant Classification Criteria Version 2. Collection method: clinical testing. Allele origin: germline. Affected: yes. Observed: 1 variant allele.
Comment: CACNA1A: PM2:Supporting, BP4, BP7